The following is an entry in ClinVar:

NM_145199.3(LIPT1):c.824A>G (p.Lys275Arg)

Genes: LIPT1 (lipoyltransferase 1; plus strand), MITD1 (microtubule interacting and trafficking domain containing 1; minus strand). Cytogenetic location: 2q11.2.
Variant type: single nucleotide variant.
Coding change: c.824A>G on transcript NM_145199.3 (MANE Select); coding-DNA position 824, A replaced by G.
Protein change: p.Lys275Arg; replaces lysine 275 with arginine.
Molecular consequence: missense variant. On other transcripts: non-coding transcript variant (2).
Genome position (GRCh38, 1-based): chr2:99,162,781, A>G. VCF-style: chr2-99162781-A-G. GRCh37 (hg19) VCF-style: chr2-99779244-A-G.
Other names: c.824A>G, p.Lys275Arg (NM_001204830.2, NM_015929.4, NM_145197.3 and 1 more transcripts); c.824A>G (NM_015929.3); short protein forms K275R.
Identifiers: ClinVar variation 1419051 (VCV001419051.7), dbSNP rs370947293, ClinGen allele CA1797383.

ClinVar aggregate classification (germline): Uncertain significance. Review status: criteria provided, multiple submitters, no conflicts (2 of 4 stars). 2 submissions from 2 submitters: Uncertain significance (2). Last evaluated 2025-06-04.

Allele frequency attached by ClinVar (database versions not stated): gnomAD exomes 0.00001 and 0.00003; ExAC 0.00002; gnomAD 0.00002; TOPMed 0.00003; ESP Exome Variant Server 0.00015.
gnomAD v4.1: 41 of 1,614,036 alleles (0.0025%); highest among the groups gnomAD compares: Non-Finnish European, 0.0033%; no homozygotes.

Submissions (2):

Labcorp Genetics (formerly Invitae), Labcorp
Classification: Uncertain significance. Last evaluated: 2025-06-04. Review status: criteria provided, single submitter. Criteria: Invitae Variant Classification Sherloc (09022015). Collection method: clinical testing. Allele origin: germline.
Comment: This sequence change replaces lysine, which is basic and polar, with arginine, which is basic and polar, at codon 275 of the LIPT1 protein (p.Lys275Arg). This variant is present in population databases (rs370947293, gnomAD 0.004%). This variant has not been reported in the literature in individuals affected with LIPT1-related conditions. ClinVar contains an entry for this variant (Variation ID: 1419051). Invitae Evidence Modeling of protein sequence and biophysical properties (such as structural, functional, and spatial information, amino acid conservation, physicochemical variation, residue mobility, and thermodynamic stability) indicates that this missense variant is not expected to disrupt LIPT1 protein function with a negative predictive value of 80%. In summary, the available evidence is currently insufficient to determine the role of this variant in disease. Therefore, it has been classified as a Variant of Uncertain Significance.

GeneDx
Classification: Uncertain significance. Last evaluated: 2023-05-25. Review status: criteria provided, single submitter. Criteria: GeneDx Variant Classification Process June 2021. Collection method: clinical testing. Allele origin: germline. Affected: yes.
Comment: Not observed at significant frequency in large population cohorts (gnomAD); In silico analysis supports that this missense variant does not alter protein structure/function; Has not been previously published as pathogenic or benign to our knowledge